The following is an entry in ClinVar:

ClinVar aggregate classification (germline): Uncertain significance (1 of 4 stars; one submission).

Submission:

Labcorp Genetics (formerly Invitae), Labcorp
Classification: Uncertain significance. Last evaluated: 2025-10-01. Review status: criteria provided, single submitter. Criteria: Invitae Variant Classification Sherloc (09022015). Collection method: clinical testing. Allele origin: germline.
Comment: This sequence change replaces methionine, which is neutral and non-polar, with leucine, which is neutral and non-polar, at codon 1214 of the KANK1 protein (p.Met1214Leu). This variant is present in population databases (no rsID available, gnomAD 0.0009%). This variant has not been reported in the literature in individuals affected with KANK1-related conditions. ClinVar contains an entry for this variant (Variation ID: 2979014). Invitae Evidence Modeling of protein sequence and biophysical properties (such as structural, functional, and spatial information, amino acid conservation, physicochemical variation, residue mobility, and thermodynamic stability) indicates that this missense variant is expected to disrupt KANK1 protein function with a positive predictive value of 80%. In summary, the available evidence is currently insufficient to determine the role of this variant in disease. Therefore, it has been classified as a Variant of Uncertain Significance.

NM_015158.5(KANK1):c.3640A>C (p.Met1214Leu)

Gene: KANK1 (KN motif and ankyrin repeat domains 1; plus strand). Cytogenetic location: 9p24.3.
Variant type: single nucleotide variant.
Coding change: c.3640A>C on transcript NM_015158.5 (MANE Select); coding-DNA position 3640, A replaced by C.
Protein change: p.Met1214Leu; replaces methionine 1214 with leucine.
Molecular consequence: missense variant. On other transcripts: non-coding transcript variant (1).
Genome position (GRCh38, 1-based): chr9:740,878, A>C. VCF-style: chr9-740878-A-C. GRCh37 (hg19) VCF-style: chr9-740878-A-C.
Other names: c.3166A>C, p.Met1056Leu (NM_153186.6, NM_001354333.2, NM_001354335.2 and 2 more transcripts); c.3640A>C, p.Met1214Leu (NM_001256876.3, NM_001256877.3, NM_001354334.2); c.3400A>C, p.Met1134Leu (NM_001354331.2); c.3586A>C, p.Met1196Leu (NM_001354332.2); c.2872A>C, p.Met958Leu (NM_001354336.2); c.3112A>C, p.Met1038Leu (NM_001354338.2, NM_001354340.2, NM_001354344.2); c.2926A>C, p.Met976Leu (NM_001354339.2, NM_001354342.2, NM_001354343.2); short protein forms M1056L, M1214L, M1196L, M958L, M976L, M1038L, M1134L.
Identifiers: ClinVar variation 2979014 (VCV002979014.3), dbSNP rs751280029, ClinGen allele CA187801302.